The following is an entry in ClinVar:

NM_004998.4(MYO1E):c.141C>G (p.Tyr47Ter)

Gene: MYO1E (myosin IE; minus strand). Cytogenetic location: 15q22.2.
Variant type: single nucleotide variant.
Coding change: c.141C>G on transcript NM_004998.4 (MANE Select); coding-DNA position 141, C replaced by G.
Protein change: p.Tyr47Ter; replaces tyrosine 47 with a stop codon.
Molecular consequence: nonsense.
Genome position (GRCh38, 1-based): chr15:59,272,312, G>C on the plus strand (C>G on the coding strand, the complement: MYO1E is on the minus strand). VCF-style: chr15-59272312-G-C. GRCh37 (hg19) VCF-style: chr15-59564511-G-C.
Other names: short protein forms Y47*.
Identifiers: ClinVar variation 2500430 (VCV002500430.2), dbSNP rs2542174867, ClinGen allele CA392651216.

ClinVar aggregate classification (germline): Pathogenic. Review status: criteria provided, multiple submitters, no conflicts (2 of 4 stars). 2 submissions from 2 submitters: Pathogenic (2). Last evaluated 2024-03-29.

Conditions:
Focal segmental glomerulosclerosis 6 (FSGS6). Identifiers: Orphanet 656, MedGen C3279905, MONDO:0013589, OMIM 614131.

Submissions (2):

Genomic Medicine Center of Excellence, King Faisal Specialist Hospital and Research Centre
Classification: Pathogenic for Focal segmental glomerulosclerosis 6. Last evaluated: 2024-03-29. Review status: criteria provided, single submitter. Criteria: ACMG Guidelines, 2015. Collection method: clinical testing. Allele origin: germline.

GeneDx
Classification: Pathogenic. Last evaluated: 2022-11-01. Review status: criteria provided, single submitter. Criteria: GeneDx Variant Classification Process June 2021. Collection method: clinical testing. Allele origin: germline. Affected: yes.
Comment: Nonsense variant predicted to result in protein truncation or nonsense mediated decay in a gene for which loss of function is a known mechanism of disease; Not observed at significant frequency in large population cohorts (gnomAD); This variant is associated with the following publications: (PMID: 35723736, 31520189, 28921387, 23595123)